The following is an entry in ClinVar:

ClinVar aggregate classification (germline): Benign/Likely benign. Review status: criteria provided, multiple submitters, no conflicts (2 of 4 stars). 7 submissions from 7 submitters: Benign (2); Likely benign (4). 1 of the submissions does not count toward it. Last evaluated 2026-04-23.

Conditions:
Colorectal cancer, susceptibility to, 1. Also called: COLORECTAL ADENOMA AND CANCER, SUSCEPTIBILITY TO; COLORECTAL CANCER, SUSCEPTIBILITY TO, ON CHROMOSOME 9. Identifiers: MedGen C1837315, MONDO:0012132, OMIM 608812.
GALNT12-related disorder. Also called: GALNT12-related condition.

Allele frequency attached by ClinVar (database versions not stated): TOPMed 0.00040; gnomAD 0.00060 and 0.00062; ESP Exome Variant Server 0.00069; gnomAD exomes 0.00073; ExAC 0.00107.

Submissions (7):

Myriad Genetics, Inc.
Classification: Benign for Colorectal cancer, susceptibility to, 1. Last evaluated: 2026-04-23. Review status: criteria provided, single submitter. Criteria: Myriad Autosomal Dominant, Autosomal Recessive and X-Linked Classification Criteria (2023). Collection method: clinical testing. Allele origin: unknown.
Comment: This variant is considered benign. This variant is a silent/synonymous amino acid change and it is not expected to impact splicing.

Labcorp Genetics (formerly Invitae), Labcorp
Classification: Benign. Last evaluated: 2026-01-28. Review status: criteria provided, single submitter. Criteria: Invitae Variant Classification Sherloc (09022015). Collection method: clinical testing. Allele origin: germline.

Blueprint Genetics
Classification: Likely benign. Last evaluated: 2024-11-26. Review status: criteria provided, single submitter. Criteria: ACMG Guidelines, 2015. Collection method: clinical testing. Allele origin: germline.

Department of Pathology and Laboratory Medicine, Sinai Health System
Classification: Likely benign for Colorectal cancer, susceptibility to, 1. Last evaluated: 2024-08-23. Review status: criteria provided, single submitter. Criteria: ACMG Guidelines, 2015. Collection method: clinical testing. Allele origin: germline.

GeneDx
Classification: Likely benign. Last evaluated: 2021-05-26. Review status: criteria provided, single submitter. Criteria: GeneDx Variant Classification Process June 2021. Collection method: clinical testing. Allele origin: germline. Affected: yes.

Ambry Genetics
Classification: Likely benign. Last evaluated: 2016-09-15. Review status: criteria provided, single submitter. Criteria: Ambry Variant Classification Scheme 2023. Collection method: clinical testing. Allele origin: germline.

PreventionGenetics, part of Exact Sciences
Classification: Likely benign for GALNT12-related condition. Last evaluated: 2019-05-02. Review status: no assertion criteria provided. Collection method: clinical testing. Allele origin: germline. Not counted in ClinVar's aggregate classification.
Comment: This variant is classified as likely benign based on ACMG/AMP sequence variant interpretation guidelines (Richards et al. 2015 PMID: 25741868, with internal and published modifications).

NM_024642.5(GALNT12):c.567T>C (p.Asn189=)

Gene: GALNT12 (polypeptide N-acetylgalactosaminyltransferase 12; plus strand). Cytogenetic location: 9q22.33.
Variant type: single nucleotide variant.
Coding change: c.567T>C on transcript NM_024642.5 (MANE Select); coding-DNA position 567, T replaced by C.
Protein change: p.Asn189=; no amino-acid change (asparagine 189 retained).
Molecular consequence: synonymous variant.
Genome position (GRCh38, 1-based): chr9:98,826,777, T>C. VCF-style: chr9-98826777-T-C. GRCh37 (hg19) VCF-style: chr9-101589059-T-C.
Identifiers: ClinVar variation 416212 (VCV000416212.22), dbSNP rs150417178, ClinGen allele CA5153989.